The following is an entry in ClinVar:

ClinVar aggregate classification (germline): Pathogenic (1 of 4 stars; one submission).

Conditions:
Cardiovascular phenotype. Identifiers: MedGen CN230736.

Submission:

Ambry Genetics
Classification: Pathogenic for Cardiovascular phenotype. Last evaluated: 2022-11-30. Review status: criteria provided, single submitter. Criteria: Ambry Variant Classification Scheme 2023. Collection method: clinical testing. Allele origin: germline.
Comment: The c.931delA pathogenic mutation, located in coding exon 7 of the KCNQ1 gene, results from a deletion of one nucleotide at nucleotide position 931, causing a translational frameshift with a predicted alternate stop codon (p.T311Pfs*43). This variant is considered to be rare based on population cohorts in the Genome Aggregation Database (gnomAD). In addition, this alteration is expected to result in loss of function by premature protein truncation or nonsense-mediated mRNA decay. As such, this alteration is interpreted as a disease-causing mutation.

NM_000218.3(KCNQ1):c.931del (p.Thr311fs)

Gene: KCNQ1 (potassium voltage-gated channel subfamily Q member 1; plus strand). Cytogenetic location: 11p15.5.
Variant type: Deletion.
Coding change: c.931del on transcript NM_000218.3 (MANE Select); coding-DNA position 931, one base deleted (A; older notation c.931delA).
Protein change: p.Thr311fs; shifts the reading frame from threonine 311.
Molecular consequence: frameshift variant.
Genome position (GRCh38, 1-based): chr11:2,583,444, A deleted. VCF-style (leftmost placement, unchanged base first): chr11-2583443-CA-C. GRCh37 (hg19) VCF-style: chr11-2604673-CA-C.
Other names: c.931del, p.Thr311fs (NM_001406836.1); c.661del, p.Thr221fs (NM_001406837.1); c.487del, p.Thr163fs (NM_001406838.1); c.550del, p.Thr184fs (NM_181798.2); short protein forms T221fs, T163fs, T184fs, T311fs.
Identifiers: ClinVar variation 2453279 (VCV002453279.2), dbSNP rs2493695719, ClinGen allele CA2580082599.